The following is an entry in ClinVar:

NM_015001.3(SPEN):c.3582T>C (p.Ser1194=)

Gene: SPEN (spen family transcriptional repressor; plus strand). Cytogenetic location: 1p36.13.
Variant type: single nucleotide variant.
Coding change: c.3582T>C on transcript NM_015001.3 (MANE Select); coding-DNA position 3582, T replaced by C.
Protein change: p.Ser1194=; no amino-acid change (serine 1194 retained).
Molecular consequence: synonymous variant.
Genome position (GRCh38, 1-based): chr1:15,929,822, T>C. VCF-style: chr1-15929822-T-C. GRCh37 (hg19) VCF-style: chr1-16256317-T-C.
Identifiers: ClinVar variation 3035267 (VCV003035267.2), dbSNP rs769531178, ClinGen allele CA18277953.

ClinVar aggregate classification (germline): Likely benign (0 of 4 stars; one submission).

Conditions:
SPEN-related disorder. Also called: SPEN-related condition.

Allele frequency attached by ClinVar (database versions not stated): gnomAD 0.00004; TOPMed 0.00004; gnomAD exomes 0.00009.
gnomAD v4.1: 135 of 1,614,006 alleles (0.0084%); highest among the groups gnomAD compares: Non-Finnish European, 0.011%; no homozygotes.

Submission:

PreventionGenetics, part of Exact Sciences
Classification: Likely benign for SPEN-related condition. Last evaluated: 2024-09-06. Review status: no assertion criteria provided. Collection method: clinical testing. Allele origin: germline.
Comment: This variant is classified as likely benign based on ACMG/AMP sequence variant interpretation guidelines (Richards et al. 2015 PMID: 25741868, with internal and published modifications).